The following is an entry in ClinVar:

ClinVar aggregate classification (germline): Benign. Review status: criteria provided, multiple submitters, no conflicts (2 of 4 stars). 4 submissions from 4 submitters: Benign (3). 1 of the submissions does not count toward it. Last evaluated 2018-06-23.

Conditions:
Hereditary cancer-predisposing syndrome. Also called: Tumor predisposition; Hereditary neoplastic syndrome; Neoplastic Syndromes, Hereditary; Hereditary Cancer Syndrome. Identifiers: Orphanet 140162, MedGen C0027672, MeSH D009386, MONDO:0015356.

Allele frequency attached by ClinVar (database versions not stated): gnomAD exomes 0.01143 and 0.02897; gnomAD 0.05087 and 0.05156; TOPMed 0.05401; ExAC 0.07679; 1000 Genomes Project 30x 0.08573; 1000 Genomes Project 0.08606.
gnomAD v4.1: 23,839 of 1,510,384 alleles (1.6%); highest among the groups gnomAD compares: African/African-American, 17%; 1,650 homozygotes.

Submissions (4):

GeneDx
Classification: Benign. Last evaluated: 2018-06-23. Review status: criteria provided, single submitter. Criteria: GeneDx Variant Classification Process June 2021. Collection method: clinical testing. Allele origin: germline. Affected: yes.
Comment: This variant is associated with the following publications: (PMID: 24728327)

Ambry Genetics
Classification: Benign for Hereditary cancer-predisposing syndrome. Last evaluated: 2015-05-20. Review status: criteria provided, single submitter. Criteria: Ambry Variant Classification Scheme 2023. Collection method: clinical testing. Allele origin: germline.

Breakthrough Genomics
Classification: Benign. Review status: criteria provided, single submitter. Criteria: ACMG Guidelines, 2015. Collection method: not provided. Allele origin: germline. Inheritance: Autosomal dominant inheritance. Affected: yes.

ITMI
No classification provided. Condition: AllHighlyPenetrant. Last evaluated: 2013-09-19. Review status: no classification provided. Collection method: reference population. Allele origin: germline. Not counted in ClinVar's aggregate classification.
Comment: Please see associated publication for description of ethnicities

Literature cited by the submitters: PubMed 24728327 (cited by ITMI).

NM_003072.5(SMARCA4):c.2617-86G>A

Gene: SMARCA4 (SWI/SNF related BAF chromatin remodeling complex subunit ATPase 4; plus strand). Cytogenetic location: 19p13.2.
Variant type: single nucleotide variant.
Coding change: c.2617-86G>A on transcript NM_003072.5 (MANE Select); 86 bases into the intron before coding-DNA position 2617, G replaced by A.
Molecular consequence: intron variant.
Genome position (GRCh38, 1-based): chr19:11,021,639, G>A. VCF-style: chr19-11021639-G-A. GRCh37 (hg19) VCF-style: chr19-11132315-G-A.
Other names: c.2617-86G>A (NM_001128844.3, NM_001128849.3, NM_001128847.4 and 5 more transcripts).
Identifiers: ClinVar variation 133384 (VCV000133384.6), dbSNP rs75904516, ClinGen allele CA156475.